The following is an entry in ClinVar:

NM_007294.4(BRCA1):c.4186-514T>C

Gene: BRCA1 (BRCA1 DNA repair associated; minus strand). Cytogenetic location: 17q21.31.
Variant type: single nucleotide variant.
Coding change: c.4186-514T>C on transcript NM_007294.4 (MANE Select); 514 bases into the intron before coding-DNA position 4186, T replaced by C.
Molecular consequence: intron variant.
Genome position (GRCh38, 1-based): chr17:43,083,089, A>G on the plus strand (T>C on the coding strand, the complement: BRCA1 is on the minus strand). VCF-style: chr17-43083089-A-G. GRCh37 (hg19) VCF-style: chr17-41235106-A-G.
Other names: IVS 12-514T>C; c.4063-514T>C (NM_001407680.1, NM_001407664.1, NM_001407648.1 and 13 more transcripts); c.760-514T>C (NM_001408419.1, NM_001408422.1, NM_001408418.1 and 2 more transcripts); c.877-517T>C (NM_001408403.1, NM_001407983.1, NM_001407981.1 and 6 more transcripts); c.877-514T>C (NM_001407975.1, NM_001407971.1, NM_007298.4 and 8 more transcripts); c.871-517T>C (NM_001408406.1); c.4186-517T>C (NM_001407641.1, NM_001407624.1, NM_001407639.1 and 4 more transcripts); c.4186-514T>C (NM_001407858.1, NM_001407616.1, NM_007300.4 and 23 more transcripts); and 65 more.
Identifiers: ClinVar variation 209412 (VCV000209412.2), dbSNP rs75754723, ClinGen allele CA276384.

ClinVar aggregate classification (germline): Benign (3 of 4 stars; one submission).

Conditions:
Breast-ovarian cancer, familial, susceptibility to, 1 (BROVCA1). Also called: BRCA1 Hereditary Breast and Ovarian Cancer; OVARIAN CANCER, SUSCEPTIBILITY TO. Identifiers: Orphanet 145, MedGen C2676676, MONDO:0011450, OMIM 604370. Disease mechanism: loss of function.

Allele frequency attached by ClinVar (database versions not stated): gnomAD 0.00046 and 0.00079; TOPMed 0.00080; 1000 Genomes Project 30x 0.00453; 1000 Genomes Project 0.00479.
gnomAD v4.1: 119 of 152,268 alleles (0.078%); highest among the groups gnomAD compares: East Asian, 2.2%; 3 homozygotes.

Submission:

Evidence-based Network for the Interpretation of Germline Mutant Alleles (ENIGMA)
Classification: Benign for Breast-ovarian cancer, familial 1. Last evaluated: 2015-01-12. Review status: reviewed by expert panel. Criteria: ENIGMA BRCA1/2 Classification Criteria (2015). Collection method: curation. Allele origin: germline.
Comment: Class 1 not pathogenic based on frequency >1% in an outbred sampleset. Frequency 0.02622 (Asian), derived from 1000 genomes (2012-04-30).